The following is an entry in ClinVar:

ClinVar aggregate classification (germline): Uncertain significance (1 of 4 stars; one submission).

Conditions:
Kleefstra syndrome 1 (KLEFS1). Identifiers: Orphanet 261494, MedGen C0795833, MONDO:0027407, OMIM 610253.

Allele frequency attached by ClinVar (database versions not stated): TOPMed below 0.00001.

Submission:

Labcorp Genetics (formerly Invitae), Labcorp
Classification: Uncertain significance for Kleefstra syndrome 1. Last evaluated: 2019-12-03. Review status: criteria provided, single submitter. Criteria: Invitae Variant Classification Sherloc (09022015). Collection method: clinical testing. Allele origin: germline.
Comment: Algorithms developed to predict the effect of missense changes on protein structure and function are either unavailable or do not agree on the potential impact of this missense change (SIFT: "Deleterious"; PolyPhen-2: "Possibly Damaging"; Align-GVGD: "Class C0"). In summary, the available evidence is currently insufficient to determine the role of this variant in disease. Therefore, it has been classified as a Variant of Uncertain Significance. This variant has not been reported in the literature in individuals with EHMT1-related conditions. This variant is not present in population databases (ExAC no frequency). This sequence change replaces proline with serine at codon 605 of the EHMT1 protein (p.Pro605Ser). The proline residue is highly conserved and there is a moderate physicochemical difference between proline and serine.

NM_024757.5(EHMT1):c.1813C>T (p.Pro605Ser)

Gene: EHMT1 (euchromatic histone lysine methyltransferase 1; plus strand). Cytogenetic location: 9q34.3.
Variant type: single nucleotide variant.
Coding change: c.1813C>T on transcript NM_024757.5 (MANE Select); coding-DNA position 1813, C replaced by T.
Protein change: p.Pro605Ser; replaces proline 605 with serine.
Molecular consequence: missense variant.
Genome position (GRCh38, 1-based): chr9:137,776,639, C>T. VCF-style: chr9-137776639-C-T. GRCh37 (hg19) VCF-style: chr9-140671091-C-T.
Other names: c.1813C>T, p.Pro605Ser (NM_001145527.2); c.1720C>T, p.Pro574Ser (NM_001354259.2); c.1792C>T, p.Pro598Ser (NM_001354263.2); short protein forms P574S, P605S, P598S.
Identifiers: ClinVar variation 862041 (VCV000862041.10), dbSNP rs1175517635, ClinGen allele CA375775631.